The following is an entry in ClinVar:

NM_178335.3(CCDC50):c.827C>G (p.Ser276Ter)

Gene: CCDC50 (coiled-coil domain containing 50; plus strand). Cytogenetic location: 3q28.
Variant type: single nucleotide variant.
Coding change: c.827C>G on transcript NM_178335.3 (MANE Select); coding-DNA position 827, C replaced by G.
Protein change: p.Ser276Ter; replaces serine 276 with a stop codon.
Molecular consequence: nonsense. On other transcripts: intron variant (1).
Genome position (GRCh38, 1-based): chr3:191,375,440, C>G. VCF-style: chr3-191375440-C-G. GRCh37 (hg19) VCF-style: chr3-191093229-C-G.
Other names: c.449-4719C>G (NM_174908.4); short protein forms S276*.
Identifiers: ClinVar variation 1312074 (VCV001312074.5), dbSNP rs574188668, ClinGen allele CA2755341.

ClinVar aggregate classification (germline): Uncertain significance. Review status: criteria provided, multiple submitters, no conflicts (2 of 4 stars). 2 submissions from 2 submitters: Uncertain significance (2). Last evaluated 2023-08-19.

Allele frequency attached by ClinVar (database versions not stated): gnomAD 0.00001 and 0.00002; gnomAD exomes 0.00015; 1000 Genomes Project 30x 0.00016; ExAC 0.00017; 1000 Genomes Project 0.00020.
gnomAD v4.1: 87 of 1,613,806 alleles (0.0054%); highest among the groups gnomAD compares: South Asian, 0.091%; 1 homozygote.

Submissions (2):

Labcorp Genetics (formerly Invitae), Labcorp
Classification: Uncertain significance. Last evaluated: 2023-08-19. Review status: criteria provided, single submitter. Criteria: Invitae Variant Classification Sherloc (09022015). Collection method: clinical testing. Allele origin: germline.
Comment: In summary, the available evidence is currently insufficient to determine the role of this variant in disease. Therefore, it has been classified as a Variant of Uncertain Significance. ClinVar contains an entry for this variant (Variation ID: 1312074). This variant has not been reported in the literature in individuals affected with CCDC50-related conditions. This variant is present in population databases (rs574188668, gnomAD 0.1%), and has an allele count higher than expected for a pathogenic variant. This sequence change creates a premature translational stop signal (p.Ser276*) in the CCDC50 gene. It is expected to result in an absent or disrupted protein product. However, the current clinical and genetic evidence is not sufficient to establish whether loss-of-function variants in CCDC50 cause disease.

GeneDx
Classification: Uncertain significance. Last evaluated: 2019-09-16. Review status: criteria provided, single submitter. Criteria: GeneDx Variant Classification Process June 2021. Collection method: clinical testing. Allele origin: germline. Affected: yes.
Comment: Nonsense variant predicted to result in protein truncation or nonsense mediated decay in a gene for which loss-of-function is not a known mechanism of disease; Has not been previously published as pathogenic or benign to our knowledge